The following is an entry in ClinVar:

NM_014874.4(MFN2):c.1476C>A (p.Thr492=)

Gene: MFN2 (mitofusin 2; plus strand). Cytogenetic location: 1p36.22.
Variant type: single nucleotide variant.
Coding change: c.1476C>A on transcript NM_014874.4 (MANE Select); coding-DNA position 1476, C replaced by A.
Protein change: p.Thr492=; no amino-acid change (threonine 492 retained).
Molecular consequence: synonymous variant.
Genome position (GRCh38, 1-based): chr1:12,004,908, C>A. VCF-style: chr1-12004908-C-A. GRCh37 (hg19) VCF-style: chr1-12064965-C-A.
Other names: c.1476C>A, p.Thr492= (NM_001127660.2).
Identifiers: ClinVar variation 382431 (VCV000382431.14), dbSNP rs143428548, ClinGen allele CA599128.

ClinVar aggregate classification (germline): Likely benign. Review status: criteria provided, multiple submitters, no conflicts (2 of 4 stars). 4 submissions from 4 submitters: Likely benign (4). Last evaluated 2025-08-25.

Conditions:
Inborn genetic diseases. Identifiers: MedGen C0950123, MeSH D030342.
Charcot-Marie-Tooth disease type 2. Also called: Charcot-Marie-Tooth type 2. Identifiers: Orphanet 64746, MedGen C0270914, MONDO:0018993.

Allele frequency attached by ClinVar (database versions not stated): ExAC 0.00011; gnomAD 0.00013; ESP Exome Variant Server 0.00015; TOPMed 0.00021; 1000 Genomes Project 30x 0.00031; 1000 Genomes Project 0.00040.
gnomAD v4.1: 53 of 1,611,066 alleles (0.0033%); highest among the groups gnomAD compares: African/African-American, 0.065%; no homozygotes.

Submissions (4):

Labcorp Genetics (formerly Invitae), Labcorp
Classification: Likely benign for Charcot-Marie-Tooth disease type 2. Last evaluated: 2025-08-25. Review status: criteria provided, single submitter. Criteria: Invitae Variant Classification Sherloc (09022015). Collection method: clinical testing. Allele origin: germline.

Blueprint Genetics
Classification: Likely benign. Last evaluated: 2024-05-24. Review status: criteria provided, single submitter. Criteria: ACMG Guidelines, 2015. Collection method: clinical testing. Allele origin: germline.

Ambry Genetics
Classification: Likely benign for Inborn genetic diseases. Last evaluated: 2019-07-11. Review status: criteria provided, single submitter. Criteria: Ambry Variant Classification Scheme 2023. Collection method: clinical testing. Allele origin: germline.

GeneDx
Classification: Likely benign. Last evaluated: 2016-02-22. Review status: criteria provided, single submitter. Criteria: GeneDx Variant Classification (06012015). Collection method: clinical testing. Allele origin: germline. Affected: yes.
Comment: This variant is considered likely benign or benign based on one or more of the following criteria: it is a conservative change, it occurs at a poorly conserved position in the protein, it is predicted to be benign by multiple in silico algorithms, and/or has population frequency not consistent with disease.